The following is an entry in ClinVar:

NM_021115.5(SEZ6L):c.1560C>T (p.Tyr520=)

Gene: SEZ6L (seizure related 6 homolog like; plus strand). Cytogenetic location: 22q12.1.
Variant type: single nucleotide variant.
Coding change: c.1560C>T on transcript NM_021115.5 (MANE Select); coding-DNA position 1560, C replaced by T.
Protein change: p.Tyr520=; no amino-acid change (tyrosine 520 retained).
Molecular consequence: synonymous variant.
Genome position (GRCh38, 1-based): chr22:26,310,715, C>T. VCF-style: chr22-26310715-C-T. GRCh37 (hg19) VCF-style: chr22-26706681-C-T.
Other names: c.1560C>T, p.Tyr520= (NM_001184773.2, NM_001184774.2, NM_001184775.2 and 2 more transcripts).
Identifiers: ClinVar variation 2653008 (VCV002653008.24), dbSNP rs199770989, ClinGen allele CA10162250.

ClinVar aggregate classification (germline): Likely benign (1 of 4 stars; one submission).

Allele frequency attached by ClinVar (database versions not stated): gnomAD 0.00005; TOPMed 0.00005; gnomAD exomes 0.00006; ExAC 0.00016; 1000 Genomes Project 0.00040; 1000 Genomes Project 30x 0.00047.
gnomAD v4.1: 93 of 1,614,146 alleles (0.0058%); highest among the groups gnomAD compares: Admixed American, 0.077%; 1 homozygote.

Submission:

CeGaT Center for Human Genetics Tuebingen
Classification: Likely benign. Last evaluated: 2022-07-01. Review status: criteria provided, single submitter. Criteria: CeGaT Center For Human Genetics Tuebingen Variant Classification Criteria Version 2. Collection method: clinical testing. Allele origin: germline. Affected: yes. Observed: 1 variant allele.
Comment: SEZ6L: BP4, BP7